The following is an entry in ClinVar:

ClinVar aggregate classification (germline): Uncertain significance (1 of 4 stars; one submission).

Conditions:
Hereditary cancer-predisposing syndrome. Also called: Tumor predisposition; Hereditary Cancer Syndrome; Hereditary neoplastic syndrome; Neoplastic Syndromes, Hereditary. Identifiers: Orphanet 140162, MedGen C0027672, MeSH D009386, MONDO:0015356.

gnomAD v4.1: 4 of 1,613,946 alleles (0.00025%); highest among the groups gnomAD compares: South Asian, 0.0044%; 1 homozygote.

Submission:

Ambry Genetics
Classification: Uncertain significance for Hereditary cancer-predisposing syndrome. Last evaluated: 2024-04-26. Review status: criteria provided, single submitter. Criteria: Ambry Variant Classification Scheme 2023. Collection method: clinical testing. Allele origin: germline.
Comment: The p.E154K variant (also known as c.460G>A), located in coding exon 3 of the MSH3 gene, results from a G to A substitution at nucleotide position 460. The glutamic acid at codon 154 is replaced by lysine, an amino acid with similar properties. This amino acid position is conserved. In addition, this alteration is predicted to be tolerated by in silico analysis. Based on the available evidence, the clinical significance of this variant remains unclear.

NM_002439.5(MSH3):c.460G>A (p.Glu154Lys)

Gene: MSH3 (mutS homolog 3; plus strand). Cytogenetic location: 5q14.1.
Variant type: single nucleotide variant.
Coding change: c.460G>A on transcript NM_002439.5 (MANE Select); coding-DNA position 460, G replaced by A.
Protein change: p.Glu154Lys; replaces glutamic acid 154 with lysine.
Molecular consequence: missense variant.
Genome position (GRCh38, 1-based): chr5:80,665,244, G>A. VCF-style: chr5-80665244-G-A. GRCh37 (hg19) VCF-style: chr5-79961063-G-A.
Other names: short protein forms E154K.
Identifiers: ClinVar variation 3296282 (VCV003296282.1).
Genomic context (GRCh38, chr5:80,665,244, plus strand): 5'-CTGGAAAAATTGAAAGAATTCTGCTGCGATTCTGCCCTTCCTCAAAGTAGAGTCCAGACA[G>A]AATCTCTGCAGGAGAGATTTGCAGTTCTGCCAAAATGTACTGATTTTGATGATATCAGTC-3'
Protein context (NP_002430.3, residues 144-164): SALPQSRVQT[Glu154Lys]SLQERFAVLP